The following is an entry in ClinVar:

ClinVar aggregate classification (germline): Uncertain significance (1 of 4 stars; one submission).

Conditions:
Dilated cardiomyopathy 1DD (CMD1DD). Identifiers: Orphanet 154, MedGen C2750995, MONDO:0013168, OMIM 613172.

Allele frequency attached by ClinVar (database versions not stated): gnomAD exomes below 0.00001.
gnomAD v4.1: 1 of 1,552,118 alleles (0.000064%); highest among the groups gnomAD compares: Non-Finnish European, 0.000087%; no homozygotes.

Submission:

Labcorp Genetics (formerly Invitae), Labcorp
Classification: Uncertain significance for Dilated cardiomyopathy 1DD. Last evaluated: 2025-08-13. Review status: criteria provided, single submitter. Criteria: Invitae Variant Classification Sherloc (09022015). Collection method: clinical testing. Allele origin: germline.
Comment: This sequence change replaces lysine, which is basic and polar, with arginine, which is basic and polar, at codon 592 of the RBM20 protein (p.Lys592Arg). This variant is not present in population databases (gnomAD no frequency). This variant has not been reported in the literature in individuals affected with RBM20-related conditions. ClinVar contains an entry for this variant (Variation ID: 1002190). Invitae Evidence Modeling of protein sequence and biophysical properties (such as structural, functional, and spatial information, amino acid conservation, physicochemical variation, residue mobility, and thermodynamic stability) indicates that this missense variant is not expected to disrupt RBM20 protein function with a negative predictive value of 95%. In summary, the available evidence is currently insufficient to determine the role of this variant in disease. Therefore, it has been classified as a Variant of Uncertain Significance.

NM_001134363.3(RBM20):c.1775A>G (p.Lys592Arg)

Gene: RBM20 (RNA binding motif protein 20; plus strand). Cytogenetic location: 10q25.2.
Variant type: single nucleotide variant.
Coding change: c.1775A>G on transcript NM_001134363.3 (MANE Select); coding-DNA position 1775, A replaced by G.
Protein change: p.Lys592Arg; replaces lysine 592 with arginine.
Molecular consequence: missense variant.
Genome position (GRCh38, 1-based): chr10:110,799,893, A>G. VCF-style: chr10-110799893-A-G. GRCh37 (hg19) VCF-style: chr10-112559651-A-G.
Other names: short protein forms K592R.
Identifiers: ClinVar variation 1002190 (VCV001002190.8), dbSNP rs1844600546, ClinGen allele CA378390859.